The following is an entry in ClinVar:

ClinVar aggregate classification (germline): Uncertain significance (1 of 4 stars; one submission).

Submission:

Ambry Genetics
Classification: Uncertain significance. Last evaluated: 2026-05-14. Review status: criteria provided, single submitter. Criteria: Ambry Variant Classification Scheme 2023. Collection method: clinical testing. Allele origin: germline.
Comment: The p.C478R variant (also known as c.1432T>C), located in coding exon 11 of the RECQL gene, results from a T to C substitution at nucleotide position 1432. The cysteine at codon 478 is replaced by arginine, an amino acid with highly dissimilar properties. This amino acid position is conserved. In addition, this alteration is predicted to be deleterious by in silico analysis. Based on the available evidence, the clinical significance of this variant remains unclear.

NM_002907.4(RECQL):c.1432T>C (p.Cys478Arg)

Gene: RECQL (RecQ like helicase; minus strand). Cytogenetic location: 12p12.1.
Variant type: single nucleotide variant.
Coding change: c.1432T>C on transcript NM_002907.4 (MANE Select); coding-DNA position 1432, T replaced by C.
Protein change: p.Cys478Arg; replaces cysteine 478 with arginine.
Molecular consequence: missense variant.
Genome position (GRCh38, 1-based): chr12:21,473,566, A>G on the plus strand (T>C on the coding strand, the complement: RECQL is on the minus strand). VCF-style: chr12-21473566-A-G. GRCh37 (hg19) VCF-style: chr12-21626500-A-G.
Other names: c.1432T>C, p.Cys478Arg (NM_032941.3); short protein forms C478R.
Identifiers: ClinVar variation 4863127 (VCV004863127.1).